The following is an entry in ClinVar:

NM_003361.4(UMOD):c.1456T>C (p.Tyr486His)

Gene: UMOD (uromodulin; minus strand). Cytogenetic location: 16p12.3.
Variant type: single nucleotide variant.
Coding change: c.1456T>C on transcript NM_003361.4 (MANE Select); coding-DNA position 1456, T replaced by C.
Protein change: p.Tyr486His; replaces tyrosine 486 with histidine.
Molecular consequence: missense variant. On other transcripts: non-coding transcript variant (1).
Genome position (GRCh38, 1-based): chr16:20,341,212, A>G on the plus strand (T>C on the coding strand, the complement: UMOD is on the minus strand). VCF-style: chr16-20341212-A-G. GRCh37 (hg19) VCF-style: chr16-20352534-A-G.
Other names: c.1597T>C, p.Tyr533His (NM_001378235.1, NM_001378234.1); c.1456T>C, p.Tyr486His (NM_001008389.3, NM_001378232.1, NM_001378233.1); c.1555T>C, p.Tyr519His (NM_001278614.2); short protein forms Y486H, Y519H, Y533H.
Identifiers: ClinVar variation 4857441 (VCV004857441.1).

ClinVar aggregate classification (germline): Uncertain significance (1 of 4 stars; one submission).

Conditions:
Familial juvenile hyperuricemic nephropathy type 1 (ADTKD1). Also called: Autosomal Dominant Tubulointerstitial Kidney Disease – UMOD; UMOD-Associated Kidney Disease; Uromodulin-associated kidney disease; Glomerulocystic kidney disease with hyperuricemia and isosthenuria; Medullary cystic kidney disease 2. Identifiers: Orphanet 209886, Orphanet 34149, Orphanet 88950, MedGen C4551496, MONDO:0008073, OMIM 162000.

Submission:

Institute of Human Genetics, University of Leipzig Medical Center
Classification: Uncertain significance for Familial juvenile hyperuricemic nephropathy type 1. Last evaluated: 2026-05-08. Review status: criteria provided, single submitter. Criteria: ACMG Guidelines, 2015. Collection method: clinical testing. Allele origin: unknown. Inheritance: Autosomal dominant inheritance. Affected: yes.
Comment: Criteria applied: PM2,PP3